The following is an entry in ClinVar:

NM_005476.7(GNE):c.1251G>A (p.Thr417=)

Gene: GNE (glucosamine (UDP-N-acetyl)-2-epimerase/N-acetylmannosamine kinase; minus strand). Cytogenetic location: 9p13.3.
Variant type: single nucleotide variant.
Coding change: c.1251G>A on transcript NM_005476.7 (MANE Select); coding-DNA position 1251, G replaced by A.
Protein change: p.Thr417=; no amino-acid change (threonine 417 retained).
Molecular consequence: synonymous variant.
Genome position (GRCh38, 1-based): chr9:36,227,278, C>T on the plus strand (G>A on the coding strand, the complement: GNE is on the minus strand). VCF-style: chr9-36227278-C-T. GRCh37 (hg19) VCF-style: chr9-36227275-C-T.
Other names: c.1344G>A, p.Thr448= (NM_001128227.3); c.1251G>A, p.Thr417= (NM_001190383.3); c.921G>A, p.Thr307= (NM_001190384.3); c.1074G>A, p.Thr358= (NM_001190388.2, NM_001374798.1); c.1098G>A, p.Thr366= (NM_001374797.1).
Identifiers: ClinVar variation 681764 (VCV000681764.17), dbSNP rs758086020, ClinGen allele CA5056552.

ClinVar aggregate classification (germline): Conflicting classifications of pathogenicity. Review status: criteria provided, conflicting classifications (1 of 4 stars). 7 submissions from 6 submitters: Uncertain significance (2); Likely benign (3). 2 of the submissions do not count toward it. Last evaluated 2024-12-20.

Conditions:
GNE-related disorder. Also called: GNE-related condition.
Sialuria. Also called: Sialic Acid Storage Disease; SIALURIA, FRENCH TYPE. Identifiers: Orphanet 3166, MedGen C0342853, MONDO:0010028, OMIM 269921.
GNE myopathy (NM). Also called: NONAKA DISTAL MYOPATHY; MYOPATHY, DISTAL, WITH OR WITHOUT RIMMED VACUOLES; IBM 2; Inclusion body myopathy autosomal recessive; Inclusion body myopathy quadriceps sparing; INCLUSION BODY MYOPATHY, HEREDITARY, AUTOSOMAL RECESSIVE. Identifiers: Orphanet 602, MedGen C1853926, MONDO:0011603, OMIM 605820.

Allele frequency attached by ClinVar (database versions not stated): ExAC 0.00001; gnomAD 0.00001; gnomAD exomes 0.00002; TOPMed 0.00002.
gnomAD v4.1: 30 of 1,612,966 alleles (0.0019%); highest among the groups gnomAD compares: Non-Finnish European, 0.0025%; no homozygotes.

Submissions (7):

Labcorp Genetics (formerly Invitae), Labcorp
Classification: Likely benign for Sialuria; GNE myopathy. Last evaluated: 2024-12-20. Review status: criteria provided, single submitter. Criteria: Invitae Variant Classification Sherloc (09022015). Collection method: clinical testing. Allele origin: germline.

Blueprint Genetics
Classification: Likely benign. Last evaluated: 2024-10-15. Review status: criteria provided, single submitter. Criteria: ACMG Guidelines, 2015. Collection method: clinical testing. Allele origin: germline.

GeneDx
Classification: Likely benign. Last evaluated: 2018-04-13. Review status: criteria provided, single submitter. Criteria: GeneDx Variant Classification (06012015). Collection method: clinical testing. Allele origin: germline. Affected: yes.
Comment: This variant is considered likely benign or benign based on one or more of the following criteria: it is a conservative change, it occurs at a poorly conserved position in the protein, it is predicted to be benign by multiple in silico algorithms, and/or has population frequency not consistent with disease.

Illumina Laboratory Services, Illumina
Classification: Uncertain significance for GNE myopathy. Last evaluated: 2018-01-15. Review status: criteria provided, single submitter. Criteria: ICSL Variant Classification Criteria 13 December 2019. Collection method: clinical testing. Allele origin: germline.

Illumina Laboratory Services, Illumina
Classification: Uncertain significance for Sialuria. Last evaluated: 2018-01-15. Review status: criteria provided, single submitter. Criteria: ICSL Variant Classification Criteria 13 December 2019. Collection method: clinical testing. Allele origin: germline.

PreventionGenetics, part of Exact Sciences
Classification: Likely benign for GNE-related condition. Last evaluated: 2023-06-22. Review status: no assertion criteria provided. Collection method: clinical testing. Allele origin: germline. Not counted in ClinVar's aggregate classification.
Comment: This variant is classified as likely benign based on ACMG/AMP sequence variant interpretation guidelines (Richards et al. 2015 PMID: 25741868, with internal and published modifications).

Natera, Inc.
Classification: Uncertain significance for Nonaka myopathy. Last evaluated: 2020-01-24. Review status: no assertion criteria provided. Collection method: clinical testing. Allele origin: germline. Not counted in ClinVar's aggregate classification.